The following is an entry in ClinVar:

NM_003001.5(SDHC):c.183G>C (p.Trp61Cys)

Gene: SDHC (succinate dehydrogenase complex subunit C; plus strand). Cytogenetic location: 1q23.3.
Variant type: single nucleotide variant.
Coding change: c.183G>C on transcript NM_003001.5 (MANE Select); coding-DNA position 183, G replaced by C.
Protein change: p.Trp61Cys; replaces tryptophan 61 with cysteine.
Molecular consequence: missense variant.
Genome position (GRCh38, 1-based): chr1:161,340,597, G>C. VCF-style: chr1-161340597-G-C. GRCh37 (hg19) VCF-style: chr1-161310387-G-C.
Other names: c.183G>C, p.Trp61Cys (NM_001035511.3); c.81G>C, p.Trp27Cys (NM_001035512.3, NM_001278172.3, NM_001407118.1); c.24G>C, p.Trp8Cys (NM_001035513.3); c.303G>C, p.Trp101Cys (NM_001407115.1); c.126G>C, p.Trp42Cys (NM_001407116.1, NM_001407117.1, NM_001407121.1); c.72G>C, p.Trp24Cys (NM_001407119.1, NM_001407120.1); short protein forms W8C, W61C, W27C, W101C, W42C, W24C.
Identifiers: ClinVar variation 801278 (VCV000801278.25), dbSNP rs1571869120, ClinGen allele CA343365628.

ClinVar aggregate classification (germline): Uncertain significance. Review status: criteria provided, multiple submitters, no conflicts (2 of 4 stars). 3 submissions from 3 submitters: Uncertain significance (3). Last evaluated 2026-08-17.

Conditions:
Pheochromocytoma/paraganglioma syndrome 3. Also called: SDHC-Related Hereditary Paraganglioma-Pheochromocytoma Syndrome (Paragangliomas 3); SDHC-Related Hereditary Paraganglioma-Pheochromocytoma Syndrome; GLOMUS TUMORS, FAMILIAL, 3; Paragangliomas 3. Identifiers: Orphanet 29072, MedGen C1854336, MONDO:0011544, OMIM 605373.
Gastrointestinal stromal tumor. Also called: Gastrointestinal stromal tumor, somatic; Gastrointestinal stroma tumor. Identifiers: Orphanet 44890, MedGen C0238198, MeSH D046152, MONDO:0011719, OMIM 606764, HP:0100723.
Hereditary cancer-predisposing syndrome. Also called: Tumor predisposition; Hereditary Cancer Syndrome; Neoplastic Syndromes, Hereditary; Hereditary neoplastic syndrome. Identifiers: Orphanet 140162, MedGen C0027672, MeSH D009386, MONDO:0015356.

Submissions (3):

Ambry Genetics
Classification: Uncertain significance for Hereditary cancer-predisposing syndrome. Last evaluated: 2026-08-17. Review status: criteria provided, single submitter. Criteria: Ambry Variant Classification Scheme 2023. Collection method: clinical testing. Allele origin: germline.
Comment: The p.W61C variant (also known as c.183G>C), located in coding exon 4 of the SDHC gene, results from a G to C substitution at nucleotide position 183. The tryptophan at codon 61 is replaced by cysteine, an amino acid with highly dissimilar properties. This amino acid position is highly conserved in available vertebrate species. In addition, this alteration is predicted to be deleterious by in silico analysis. Based on the available evidence, the clinical significance of this variant remains unclear.

Labcorp Genetics (formerly Invitae), Labcorp
Classification: Uncertain significance for Pheochromocytoma/paraganglioma syndrome 3; Gastrointestinal stromal tumor. Last evaluated: 2025-11-05. Review status: criteria provided, single submitter. Criteria: Invitae Variant Classification Sherloc (09022015). Collection method: clinical testing. Allele origin: germline.
Comment: This sequence change replaces tryptophan, which is neutral and slightly polar, with cysteine, which is neutral and slightly polar, at codon 61 of the SDHC protein (p.Trp61Cys). This variant is not present in population databases (gnomAD no frequency). This variant has not been reported in the literature in individuals affected with SDHC-related conditions. ClinVar contains an entry for this variant (Variation ID: 801278). An algorithm developed to predict the effect of missense changes on protein structure and function (PolyPhen-2) suggests that this variant is likely to be disruptive. In summary, the available evidence is currently insufficient to determine the role of this variant in disease. Therefore, it has been classified as a Variant of Uncertain Significance.

Quest Diagnostics Nichols Institute San Juan Capistrano
Classification: Uncertain significance. Last evaluated: 2019-02-26. Review status: criteria provided, single submitter. Criteria: Quest Diagnostics criteria. Collection method: clinical testing. Allele origin: germline.